The following is an entry in ClinVar:

NM_004621.6(TRPC6):c.131C>T (p.Pro44Leu)

Gene: TRPC6 (transient receptor potential cation channel subfamily C member 6; minus strand). Cytogenetic location: 11q22.1.
Variant type: single nucleotide variant.
Coding change: c.131C>T on transcript NM_004621.6 (MANE Select); coding-DNA position 131, C replaced by T.
Protein change: p.Pro44Leu; replaces proline 44 with leucine.
Molecular consequence: missense variant.
Genome position (GRCh38, 1-based): chr11:101,583,373, G>A on the plus strand (C>T on the coding strand, the complement: TRPC6 is on the minus strand). VCF-style: chr11-101583373-G-A. GRCh37 (hg19) VCF-style: chr11-101454104-G-A.
Other names: p.Pro44Leu; c.131C>T, p.Pro44Leu (NM_001439335.1); short protein forms P44L.
Identifiers: ClinVar variation 4856804 (VCV004856804.1).
Genomic context (GRCh38, chr11:101,583,373, plus strand): 5'-CCCCGCGTCGCCGGCACTCACAAGCAGGGGTAGTAGCCGTAGCAAGGCAGCGGGGCTTGC[G>A]GGCAGCCGTCTTCTCCCAGCTCCGAGTCCATGAGCAGATAGTCCTGGCTCTCGTTGCGCC-3'
Protein context (NP_004612.2, residues 34-54): MDSELGEDGC[Pro44Leu]QAPLPCYGYY

ClinVar aggregate classification (germline): VUS-mid (0 of 4 stars; one submission).

Conditions:
Focal segmental glomerulosclerosis 2 (FSGS2). Identifiers: Orphanet 656, MedGen C1858915, MONDO:0011390, OMIM 603965.

gnomAD v4.1: 1 of 1,594,002 alleles (0.000063%); highest among the groups gnomAD compares: Non-Finnish European, 0.000085%; no homozygotes.

Submission:

Department of Nephrology, Beijing Luhe Hospital, Capital Medical University
Classification: VUS-mid for Focal segmental glomerulosclerosis 2. Last evaluated: 2026-05-27. Review status: no assertion criteria provided. Collection method: clinical testing. Allele origin: germline. Inheritance: Autosomal dominant inheritance. Affected: yes. Observed: 1 variant allele, 1 heterozygote.
Comment: At follow-up, 24h urine protein decreased to 0.69g. Evidence supporting classification as Variant of Uncertain Significance (VUS), mild: 1. ABSENCE FROM POPULATION DATABASES: The variant is absent from gnomAD v2.1.1 (GRCh37, 141,456 alleles) and gnomAD v4.0 (GRCh38, 807,162 alleles), indicating extreme rarity. 2. LOCATION IN MUTATION HOTSPOT: The variant affects codon 44 in the N-terminal ankyrin repeat domain of TRPC6, a known hotspot for FSGS-associated pathogenic variants (e.g., P112Q, R175W). The adjacent variant c.130C>T (p.Pro44Ser) is reported in LOVD at an extremely low frequency (1/12,938 alleles), suggesting codon 44 is mutation-sensitive. 3. The mild clinical course with response to RAAS blockade and SGLT2 inhibitor is notable. Limitations: Functional studies (patch-clamp or calcium imaging) have not been performed. Family segregation analysis is not available. Based on ACMG/AMP guidelines, this variant is classified as a Variant of Uncertain Significance (VUS), with mild evidence leaning toward pathogenicity. Functional studies and family segregation analysis are warranted to determine its pathogenicity.

Literature cited by the submitters: DOI 10.3389/fgene.2026.1913168.